The following is an entry in ClinVar:

NM_006767.4(LZTR1):c.721T>C (p.Phe241Leu)

Gene: LZTR1 (leucine zipper like post translational regulator 1; plus strand). Cytogenetic location: 22q11.21.
Variant type: single nucleotide variant.
Coding change: c.721T>C on transcript NM_006767.4 (MANE Select); coding-DNA position 721, T replaced by C.
Protein change: p.Phe241Leu; replaces phenylalanine 241 with leucine.
Molecular consequence: missense variant.
Genome position (GRCh38, 1-based): chr22:20,990,455, T>C. VCF-style: chr22-20990455-T-C. GRCh37 (hg19) VCF-style: chr22-21344744-T-C.
Other names: short protein forms F241L.
Identifiers: ClinVar variation 3939295 (VCV003939295.1).

ClinVar aggregate classification (germline): Uncertain significance (1 of 4 stars; one submission).

Conditions:
Cardiovascular phenotype. Identifiers: MedGen CN230736.
Hereditary cancer-predisposing syndrome. Also called: Tumor predisposition; Hereditary neoplastic syndrome; Hereditary Cancer Syndrome; Neoplastic Syndromes, Hereditary. Identifiers: Orphanet 140162, MedGen C0027672, MeSH D009386, MONDO:0015356.

Submission:

Ambry Genetics
Classification: Uncertain significance for Cardiovascular phenotype; Hereditary cancer-predisposing syndrome. Last evaluated: 2025-03-24. Review status: criteria provided, single submitter. Criteria: Ambry Variant Classification Scheme 2023. Collection method: clinical testing. Allele origin: germline.
Comment: The p.F241L variant (also known as c.721T>C), located in coding exon 8 of the LZTR1 gene, results from a T to C substitution at nucleotide position 721. The phenylalanine at codon 241 is replaced by leucine, an amino acid with highly similar properties. This amino acid position is conserved. In addition, this alteration is predicted to be deleterious by in silico analysis. Based on the available evidence, the clinical significance of this variant remains unclear.